The following is an entry in ClinVar:

ClinVar aggregate classification (germline): Uncertain significance. Review status: criteria provided, multiple submitters, no conflicts (2 of 4 stars). 2 submissions from 2 submitters: Uncertain significance (2). Last evaluated 2026-03-09.

Conditions:
Bloom syndrome (BLM). Also called: Bloom-Torre-Machacek syndrome. Identifiers: Orphanet 125, MedGen C0005859, MONDO:0008876, OMIM 210900.
Hereditary cancer-predisposing syndrome. Also called: Neoplastic Syndromes, Hereditary; Hereditary neoplastic syndrome; Tumor predisposition; Hereditary Cancer Syndrome. Identifiers: Orphanet 140162, MedGen C0027672, MeSH D009386, MONDO:0015356.

Submissions (2):

Ambry Genetics
Classification: Uncertain significance for Hereditary cancer-predisposing syndrome. Last evaluated: 2026-03-09. Review status: criteria provided, single submitter. Criteria: Ambry Variant Classification Scheme 2023. Collection method: clinical testing. Allele origin: germline.
Comment: The p.S74N variant (also known as c.221G>A), located in coding exon 2 of the BLM gene, results from a G to A substitution at nucleotide position 221. The serine at codon 74 is replaced by asparagine, an amino acid with highly similar properties. This amino acid position is conserved. In addition, this alteration is predicted to be tolerated by in silico analysis. Based on the available evidence, the clinical significance of this variant remains unclear.

Labcorp Genetics (formerly Invitae), Labcorp
Classification: Uncertain significance for Bloom syndrome. Last evaluated: 2025-10-13. Review status: criteria provided, single submitter. Criteria: Invitae Variant Classification Sherloc (09022015). Collection method: clinical testing. Allele origin: germline.
Comment: This sequence change replaces serine, which is neutral and polar, with asparagine, which is neutral and polar, at codon 74 of the BLM protein (p.Ser74Asn). This variant is not present in population databases (gnomAD no frequency). This variant has not been reported in the literature in individuals affected with BLM-related conditions. An algorithm developed to predict the effect of missense changes on protein structure and function outputs the following: PolyPhen-2: "Benign". The asparagine amino acid residue is found in multiple mammalian species, which suggests that this missense change does not adversely affect protein function. In summary, the available evidence is currently insufficient to determine the role of this variant in disease. Therefore, it has been classified as a Variant of Uncertain Significance.

NM_000057.4(BLM):c.221G>A (p.Ser74Asn)

Gene: BLM (BLM RecQ like helicase; plus strand). Cytogenetic location: 15q26.1.
Variant type: single nucleotide variant.
Coding change: c.221G>A on transcript NM_000057.4 (MANE Select); coding-DNA position 221, G replaced by A.
Protein change: p.Ser74Asn; replaces serine 74 with asparagine.
Molecular consequence: missense variant. On other transcripts: 5 prime UTR variant (1).
Genome position (GRCh38, 1-based): chr15:90,749,489, G>A. VCF-style: chr15-90749489-G-A. GRCh37 (hg19) VCF-style: chr15-91292719-G-A.
Other names: c.221G>A, p.Ser74Asn (NM_001287246.2, NM_001287247.2); c.-1071G>A (NM_001287248.2); short protein forms S74N.
Identifiers: ClinVar variation 4808576 (VCV004808576.2).